The following is an entry in ClinVar:

NM_001329943.3(KIAA0586):c.4495+3762T>C

Gene: KIAA0586 (KIAA0586; plus strand). Cytogenetic location: 14q23.1.
Variant type: single nucleotide variant.
Coding change: c.4495+3762T>C on transcript NM_001329943.3 (MANE Select); 3762 bases into the intron after coding-DNA position 4495, T replaced by C.
Molecular consequence: intron variant. On other transcripts: missense variant (2).
Genome position (GRCh38, 1-based): chr14:58,543,898, T>C. VCF-style: chr14-58543898-T-C. GRCh37 (hg19) VCF-style: chr14-59010616-T-C.
Other names: c.4670T>C, p.Val1557Ala (NM_001244189.2); c.4511T>C, p.Val1504Ala (NM_001329944.2); c.4450+3762T>C (NM_001244190.2); c.4363+3762T>C (NM_001244192.2, NM_001329947.2); c.4240+3762T>C (NM_001244191.2, NM_001364701.2); c.4430-3883T>C (NM_001329946.2); c.4267+3762T>C (NM_014749.5); c.4175-3883T>C (NM_001329945.2); short protein forms V1504A, V1557A.
Identifiers: ClinVar variation 2089593 (VCV002089593.4), dbSNP rs2544599093, ClinGen allele CA390059052.

ClinVar aggregate classification (germline): Uncertain significance (1 of 4 stars; one submission).

Conditions:
Short-rib thoracic dysplasia 14 with polydactyly (SRTD14). Identifiers: Orphanet 397715, MedGen C4225286, MONDO:0014688, OMIM 616546.
Joubert syndrome 23 (JBTS23). Identifiers: Orphanet 475, MedGen C4084822, MONDO:0014664, OMIM 616490.

Submission:

Labcorp Genetics (formerly Invitae), Labcorp
Classification: Uncertain significance for Joubert syndrome 23; Short-rib thoracic dysplasia 14 with polydactyly. Last evaluated: 2022-01-26. Review status: criteria provided, single submitter. Criteria: Invitae Variant Classification Sherloc (09022015). Collection method: clinical testing. Allele origin: germline.
Comment: In summary, the available evidence is currently insufficient to determine the role of this variant in disease. Therefore, it has been classified as a Variant of Uncertain Significance. This sequence change replaces valine, which is neutral and non-polar, with alanine, which is neutral and non-polar, at codon 1557 of the KIAA0586 protein (p.Val1557Ala). This variant is not present in population databases (gnomAD no frequency). This variant has not been reported in the literature in individuals affected with KIAA0586-related conditions. Algorithms developed to predict the effect of missense changes on protein structure and function are either unavailable or do not agree on the potential impact of this missense change (SIFT: "Deleterious"; PolyPhen-2: "Benign"; Align-GVGD: "Class C0").